The following is an entry in ClinVar:

NM_182914.3(SYNE2):c.6071C>T (p.Thr2024Ile)

Gene: SYNE2 (spectrin repeat containing nuclear envelope protein 2; plus strand). Cytogenetic location: 14q23.2.
Variant type: single nucleotide variant.
Coding change: c.6071C>T on transcript NM_182914.3 (MANE Select); coding-DNA position 6071, C replaced by T.
Protein change: p.Thr2024Ile; replaces threonine 2024 with isoleucine.
Molecular consequence: missense variant.
Genome position (GRCh38, 1-based): chr14:64,025,240, C>T. VCF-style: chr14-64025240-C-T. GRCh37 (hg19) VCF-style: chr14-64491958-C-T.
Other names: c.6071C>T, p.Thr2024Ile (NM_015180.6); short protein forms T2024I.
Identifiers: ClinVar variation 313521 (VCV000313521.35), dbSNP rs201401811, ClinGen allele CA7220617.

ClinVar aggregate classification (germline): Benign/Likely benign. Review status: criteria provided, multiple submitters, no conflicts (2 of 4 stars). 3 submissions from 3 submitters: Benign (1); Likely benign (2). Last evaluated 2025-12-27.

Conditions:
Emery-Dreifuss muscular dystrophy 5, autosomal dominant (EDMD5). Also called: EMERY-DREIFUSS MUSCULAR DYSTROPHY 5. Identifiers: Orphanet 261, MedGen C2751805, MONDO:0013072, OMIM 612999.

Allele frequency attached by ClinVar (database versions not stated): ESP Exome Variant Server 0.00008; TOPMed 0.00008; gnomAD exomes 0.00018 and 0.00036; ExAC 0.00037; gnomAD 0.00045 and 0.00046.
gnomAD v4.1: 351 of 1,614,058 alleles (0.022%); highest among the groups gnomAD compares: Non-Finnish European, 0.014%; 1 homozygote.

Submissions (3):

Labcorp Genetics (formerly Invitae), Labcorp
Classification: Likely benign for Emery-Dreifuss muscular dystrophy 5, autosomal dominant. Last evaluated: 2025-12-27. Review status: criteria provided, single submitter. Criteria: Invitae Variant Classification Sherloc (09022015). Collection method: clinical testing. Allele origin: germline.

CeGaT Center for Human Genetics Tuebingen
Classification: Likely benign. Last evaluated: 2024-11-01. Review status: criteria provided, single submitter. Criteria: CeGaT Center For Human Genetics Tuebingen Variant Classification Criteria Version 2. Collection method: clinical testing. Allele origin: germline. Affected: yes. Observed: 2 variant alleles.
Comment: SYNE2: BP4, BS2

Illumina Laboratory Services, Illumina
Classification: Benign for Emery-Dreifuss muscular dystrophy 5, autosomal dominant. Last evaluated: 2018-01-12. Review status: criteria provided, single submitter. Criteria: ICSL Variant Classification Criteria 13 December 2019. Collection method: clinical testing. Allele origin: germline.
Comment: This variant was observed in the ICSL laboratory as part of a predisposition screen in an ostensibly healthy population. It had not been previously curated by ICSL or reported in the Human Gene Mutation Database (HGMD: prior to June 1st, 2018), and was therefore a candidate for classification through an automated scoring system. Utilizing variant allele frequency, disease prevalence and penetrance estimates, and inheritance mode, an automated score was calculated to assess if this variant is too frequent to cause the disease. Based on the score and internal cut-off values, a variant classified as benign is not then subjected to further curation. The score for this variant resulted in a classification of benign for this disease.